The following is an entry in ClinVar:

NM_006514.4(SCN10A):c.4954C>G (p.Leu1652Val)

Gene: SCN10A (sodium voltage-gated channel alpha subunit 10; minus strand). Cytogenetic location: 3p22.2.
Variant type: single nucleotide variant.
Coding change: c.4954C>G on transcript NM_006514.4 (MANE Select); coding-DNA position 4954, C replaced by G.
Protein change: p.Leu1652Val; replaces leucine 1652 with valine.
Molecular consequence: missense variant.
Genome position (GRCh38, 1-based): chr3:38,698,266, G>C on the plus strand (C>G on the coding strand, the complement: SCN10A is on the minus strand). VCF-style: chr3-38698266-G-C. GRCh37 (hg19) VCF-style: chr3-38739757-G-C.
Other names: c.4951C>G, p.Leu1651Val (NM_001293306.2); c.4660C>G, p.Leu1554Val (NM_001293307.2); short protein forms L1554V, L1651V, L1652V.
Identifiers: ClinVar variation 1058866 (VCV001058866.5), dbSNP rs1341990928, ClinGen allele CA352155027.

ClinVar aggregate classification (germline): Uncertain significance (1 of 4 stars; one submission).

Conditions:
Brugada syndrome. Also called: Sudden unexpected nocturnal death syndrome; Sudden Unexplained Death Syndrome; Sudden Unexplained Nocturnal Death Syndrome (SUNDS); Sudden unexplained nocturnal death syndrome. Identifiers: Orphanet 130, MedGen C1142166, MONDO:0015263.

Allele frequency attached by ClinVar (database versions not stated): TOPMed 0.00002.
gnomAD v4.1: 1 of 1,614,182 alleles (0.000062%); highest among the groups gnomAD compares: Non-Finnish European, 0.000085%; no homozygotes.

Submission:

Labcorp Genetics (formerly Invitae), Labcorp
Classification: Uncertain significance for Brugada syndrome. Last evaluated: 2020-03-29. Review status: criteria provided, single submitter. Criteria: Invitae Variant Classification Sherloc (09022015). Collection method: clinical testing. Allele origin: germline.
Comment: This sequence change replaces leucine with valine at codon 1652 of the SCN10A protein (p.Leu1652Val). The leucine residue is moderately conserved and there is a small physicochemical difference between leucine and valine. This variant is not present in population databases (ExAC no frequency). This variant has not been reported in the literature in individuals with SCN10A-related conditions. Algorithms developed to predict the effect of missense changes on protein structure and function are either unavailable or do not agree on the potential impact of this missense change (SIFT: "Tolerated"; PolyPhen-2: "Probably Damaging"; Align-GVGD: "Class C0"). Algorithms developed to predict the effect of sequence changes on RNA splicing suggest that this variant may create or strengthen a splice site, but this prediction has not been confirmed by published transcriptional studies. In summary, the available evidence is currently insufficient to determine the role of this variant in disease. Therefore, it has been classified as a Variant of Uncertain Significance.